The following is an entry in ClinVar:

ClinVar aggregate classification (germline): Likely benign. Review status: criteria provided, multiple submitters, no conflicts (2 of 4 stars). 4 submissions from 4 submitters: Likely benign (3). 1 of the submissions does not count toward it. Last evaluated 2025-12-22.

Conditions:
Nemaline myopathy 2 (NEM2). Also called: Nemaline myopathy 2, autosomal recessive. Identifiers: MedGen C1850569, MONDO:0009725, OMIM 256030.

Allele frequency attached by ClinVar (database versions not stated): gnomAD 0.00001; gnomAD exomes 0.00001 and 0.00003; ExAC 0.00002; TOPMed 0.00002.
gnomAD v4.1: 21 of 1,603,880 alleles (0.0013%); highest among the groups gnomAD compares: Middle Eastern, 0.082%; no homozygotes.

Submissions (4):

Labcorp Genetics (formerly Invitae), Labcorp
Classification: Likely benign for Nemaline myopathy 2. Last evaluated: 2025-12-22. Review status: criteria provided, single submitter. Criteria: Invitae Variant Classification Sherloc (09022015). Collection method: clinical testing. Allele origin: germline.

Blueprint Genetics
Classification: Likely benign. Last evaluated: 2024-07-17. Review status: criteria provided, single submitter. Criteria: ACMG Guidelines, 2015. Collection method: clinical testing. Allele origin: germline.

CeGaT Center for Human Genetics Tuebingen
Classification: Likely benign. Last evaluated: 2022-07-01. Review status: criteria provided, single submitter. Criteria: CeGaT Center For Human Genetics Tuebingen Variant Classification Criteria Version 2. Collection method: clinical testing. Allele origin: germline. Affected: yes. Observed: 1 variant allele.
Comment: NEB: BP4, BP7

Natera, Inc.
Classification: Likely benign for Nemaline myopathy type 2. Last evaluated: 2020-09-16. Review status: no assertion criteria provided. Collection method: clinical testing. Allele origin: germline. Not counted in ClinVar's aggregate classification.

NM_001164508.2(NEB):c.21906C>T (p.Asn7302=)

Genes: NEB (nebulin; minus strand), RIF1 (replication timing regulatory factor 1; plus strand). Cytogenetic location: 2q23.3.
Variant type: single nucleotide variant.
Coding change: c.21906C>T on transcript NM_001164508.2 (MANE Select); coding-DNA position 21906, C replaced by T.
Protein change: p.Asn7302=; no amino-acid change (asparagine 7302 retained).
Molecular consequence: synonymous variant.
Genome position (GRCh38, 1-based): chr2:151,526,957, G>A on the plus strand (C>T on the coding strand, the complement: NEB is on the minus strand). VCF-style: chr2-151526957-G-A. GRCh37 (hg19) VCF-style: chr2-152383471-G-A.
Other names: c.21906C>T, p.Asn7302= (NM_001164507.2); c.22011C>T, p.Asn7337= (NM_001271208.2); c.16803C>T, p.Asn5601= (NM_004543.5).
Identifiers: ClinVar variation 707337 (VCV000707337.37), dbSNP rs757845188, ClinGen allele CA1906840.